The following is an entry in ClinVar:

NM_018006.5(TRMU):c.220G>A (p.Val74Ile)

Gene: TRMU (tRNA mitochondrial 2-thiouridylase; plus strand). Cytogenetic location: 22q13.31.
Variant type: single nucleotide variant.
Coding change: c.220G>A on transcript NM_018006.5 (MANE Select); coding-DNA position 220, G replaced by A.
Protein change: p.Val74Ile; replaces valine 74 with isoleucine.
Molecular consequence: missense variant. On other transcripts: 5 prime UTR variant (3), non-coding transcript variant (2).
Genome position (GRCh38, 1-based): chr22:46,337,916, G>A. VCF-style: chr22-46337916-G-A. GRCh37 (hg19) VCF-style: chr22-46733813-G-A.
Other names: c.220G>A, p.Val74Ile (NM_001008568.2, NM_001008570.2, NM_001282785.2); c.-16G>A (NM_001282782.2); c.-35G>A (NM_001282783.2, NM_001282784.2); c.220G>A (NM_018006.4); short protein forms V74I.
Identifiers: ClinVar variation 2681624 (VCV002681624.2), dbSNP rs956018032.

ClinVar aggregate classification (germline): Uncertain significance. Review status: criteria provided, single submitter (1 of 4 stars). 2 submissions from 2 submitters: Uncertain significance (1). 1 of the submissions does not count toward it. Last evaluated 2024-07-08.

Conditions:
EBV-positive nodal T- and NK-cell lymphoma.

Allele frequency attached by ClinVar (database versions not stated): gnomAD exomes below 0.00001; gnomAD 0.00001; TOPMed 0.00001.
gnomAD v4.1: 8 of 1,614,066 alleles (0.0005%); highest among the groups gnomAD compares: South Asian, 0.0033%; no homozygotes.

Submissions (2):

GeneDx
Classification: Uncertain significance. Last evaluated: 2024-07-08. Review status: criteria provided, single submitter. Criteria: GeneDx Variant Classification Process June 2021. Collection method: clinical testing. Allele origin: germline. Affected: yes.
Comment: Not observed at significant frequency in large population cohorts (gnomAD); In silico analysis indicates that this missense variant does not alter protein structure/function; Has not been previously published as pathogenic or benign to our knowledge

Department of Clinical Pathology, School of Medicine, Fujita Health University
Classification: Likely benign for EBV-positive nodal T- and NK-cell lymphoma. Review status: no assertion criteria provided. Collection method: research. Allele origin: unknown. Affected: yes. Not counted in ClinVar's aggregate classification.